The following is an entry in ClinVar:

ClinVar aggregate classification (germline): Benign. Review status: criteria provided, multiple submitters, no conflicts (2 of 4 stars). 2 submissions from 2 submitters: Benign (2). Last evaluated 2018-01-13.

Conditions:
Autosomal recessive omodysplasia (OMOD1). Also called: MICROMELIC DYSPLASIA, CONGENITAL, WITH DISLOCATION OF RADIUS. Identifiers: Orphanet 2733, Orphanet 93329, MedGen C1850318, MONDO:0009779, OMIM 258315.

Allele frequency attached by ClinVar (database versions not stated): 1000 Genomes Project 0.88139; 1000 Genomes Project 30x 0.88413; gnomAD 0.90098 and 0.90702; TOPMed 0.90979.

Submissions (2):

Illumina Laboratory Services, Illumina
Classification: Benign for Autosomal recessive omodysplasia. Last evaluated: 2018-01-13. Review status: criteria provided, single submitter. Criteria: ICSL Variant Classification Criteria 13 December 2019. Collection method: clinical testing. Allele origin: germline.
Comment: This variant was observed in the ICSL laboratory as part of a predisposition screen in an ostensibly healthy population. It had not been previously curated by ICSL or reported in the Human Gene Mutation Database (HGMD: prior to June 1st, 2018), and was therefore a candidate for classification through an automated scoring system. Utilizing variant allele frequency, disease prevalence and penetrance estimates, and inheritance mode, an automated score was calculated to assess if this variant is too frequent to cause the disease. Based on the score and internal cut-off values, a variant classified as benign is not then subjected to further curation. The score for this variant resulted in a classification of benign for this disease.

Breakthrough Genomics
Classification: Benign. Review status: criteria provided, single submitter. Criteria: ACMG Guidelines, 2015. Collection method: not provided. Allele origin: germline. Inheritance: Autosomal recessive inheritance. Affected: yes.

NM_005708.5(GPC6):c.*3833G>C

Gene: GPC6 (glypican 6; plus strand). Cytogenetic location: 13q32.1.
Variant type: single nucleotide variant.
Coding change: c.*3833G>C on transcript NM_005708.5 (MANE Select); 3833 bases downstream of the stop codon, G replaced by C.
Molecular consequence: 3 prime UTR variant.
Genome position (GRCh38, 1-based): chr13:94,407,050, G>C. VCF-style: chr13-94407050-G-C. GRCh37 (hg19) VCF-style: chr13-95059304-G-C.
Identifiers: ClinVar variation 312602 (VCV000312602.6), dbSNP rs7986904, ClinGen allele CA10639814.
Genomic context (GRCh38, chr13:94,407,050, plus strand): 5'-ATGTGTTCCTCCTTGTTGGAGACATTAGCCAGTGTTTAGTTTTAGACCAACTTATACAAA[G>C]AGAGTATTGATTTGTACACATTCTGGAGACTTGCTATATCATGGTTTGCTATGGCACAGA-3'